The following is an entry in ClinVar:

NM_007294.4(BRCA1):c.5345G>A (p.Trp1782Ter)

Gene: BRCA1 (BRCA1 DNA repair associated; minus strand). Cytogenetic location: 17q21.31.
Variant type: single nucleotide variant.
Coding change: c.5345G>A on transcript NM_007294.4 (MANE Select); coding-DNA position 5345, G replaced by A.
Protein change: p.Trp1782Ter; replaces tryptophan 1782 with a stop codon.
Molecular consequence: nonsense. On other transcripts: non-coding transcript variant (1), intron variant (1).
Genome position (GRCh38, 1-based): chr17:43,049,182, C>T on the plus strand (G>A on the coding strand, the complement: BRCA1 is on the minus strand). VCF-style: chr17-43049182-C-T. GRCh37 (hg19) VCF-style: chr17-41201199-C-T.
Other names: c.5342G>A, p.Trp1781Ter (NM_001407610.1, NM_001407611.1, NM_001407612.1 and 14 more transcripts); c.5198G>A, p.Trp1733Ter (NM_001407839.1, NM_001407841.1, NM_001407842.1 and 12 more transcripts); c.5339G>A, p.Trp1780Ter (NM_001407629.1, NM_001407630.1, NM_001407631.1 and 13 more transcripts); c.5285G>A, p.Trp1762Ter (NM_001407649.1); c.5267G>A, p.Trp1756Ter (NM_001407652.1, NM_001407653.1, NM_001407654.1 and 1 more transcripts); c.5264G>A, p.Trp1755Ter (NM_001407656.1, NM_001407657.1, NM_001407658.1); c.5261G>A, p.Trp1754Ter (NM_001407659.1, NM_001407660.1, NM_001407661.1 and 2 more transcripts); c.5219G>A, p.Trp1740Ter (NM_001407670.1, NM_001407671.1, NM_001407672.1 and 8 more transcripts); and 73 more; short protein forms W1782*, W1803*, W678*, W1735*, W1485*, W1628*, W1653*, W1671*.
Identifiers: ClinVar variation 55544 (VCV000055544.28), dbSNP rs80357219, ClinGen allele CA003512.

ClinVar aggregate classification (germline): Pathogenic. Review status: reviewed by expert panel (3 of 4 stars). 11 submissions from 11 submitters: Pathogenic (1). 10 of the submissions do not count toward it. Last evaluated 2016-09-08.

Conditions:
Hereditary cancer-predisposing syndrome. Also called: Hereditary Cancer Syndrome; Hereditary neoplastic syndrome; Neoplastic Syndromes, Hereditary; Tumor predisposition. Identifiers: Orphanet 140162, MedGen C0027672, MeSH D009386, MONDO:0015356.
Hereditary breast ovarian cancer syndrome. Also called: BRCA1- and BRCA2-Associated Hereditary Breast and Ovarian Cancer; Hereditary breast and ovarian cancer syndrome; Hereditary breast and ovarian cancer syndrome (HBOC); Breast and ovarian cancer; Hereditary breast and/or ovarian cancer syndrome; Hereditary breast and ovarian cancer. Identifiers: Orphanet 145, MedGen C0677776, MeSH D061325, MONDO:0003582. Disease mechanism: loss of function.
Breast-ovarian cancer, familial, susceptibility to, 1 (BROVCA1). Also called: BRCA1 Hereditary Breast and Ovarian Cancer; OVARIAN CANCER, SUSCEPTIBILITY TO. Identifiers: Orphanet 145, MedGen C2676676, MONDO:0011450, OMIM 604370. Disease mechanism: loss of function.

Allele frequency attached by ClinVar (database versions not stated): gnomAD exomes below 0.00001.
gnomAD v4.1: 2 of 1,614,116 alleles (0.00012%); highest among the groups gnomAD compares: Non-Finnish European, 0.00017%; no homozygotes.

Submissions (12):

Evidence-based Network for the Interpretation of Germline Mutant Alleles (ENIGMA)
Classification: Pathogenic for Breast-ovarian cancer, familial, susceptibility to, 1. Last evaluated: 2016-09-08. Review status: reviewed by expert panel. Criteria: ENIGMA BRCA1/2 Classification Criteria (2015). Collection method: curation. Allele origin: germline.
Comment: Variant allele predicted to encode a truncated non-functional protein.

Labcorp Genetics (formerly Invitae), Labcorp
Classification: Pathogenic for Hereditary breast ovarian cancer syndrome. Last evaluated: 2026-01-05. Review status: criteria provided, single submitter. Criteria: Invitae Variant Classification Sherloc (09022015). Collection method: clinical testing. Allele origin: germline. Not counted in ClinVar's aggregate classification.
Comment: This sequence change creates a premature translational stop signal (p.Trp1782*) in the BRCA1 gene. It is expected to result in an absent or disrupted protein product. Loss-of-function variants in BRCA1 are known to be pathogenic (PMID: 20104584). This variant is not present in population databases (gnomAD no frequency). This premature translational stop signal has been observed in individual(s) with breast and/or ovarian cancer (PMID: 12960223, 25948282). This variant is also known as 5464G>A. ClinVar contains an entry for this variant (Variation ID: 55544). For these reasons, this variant has been classified as Pathogenic.

Ambry Genetics
Classification: Pathogenic for Hereditary cancer-predisposing syndrome. Last evaluated: 2023-07-18. Review status: criteria provided, single submitter. Criteria: Ambry Variant Classification Scheme 2023. Collection method: clinical testing. Allele origin: germline. Not counted in ClinVar's aggregate classification.
Comment: The p.W1782* pathogenic mutation (also known as c.5345G>A), located in coding exon 20 of the BRCA1 gene, results from a G to A substitution at nucleotide position 5345. This changes the amino acid from a tryptophan to a stop codon within coding exon 20. This mutation has been detected in multiple individuals with personal and/or family histories of breast and epithelial ovarian cancer (Geisler JP et al. J. Natl. Cancer Inst. 2002 Jan; 94(1):61-7; Evans DG et al. J. Med. Genet. 2003 Sep; 40(9):e107; Nanda R et al. JAMA. 2005 Oct; 294(15):1925-33; Kluska A et al. BMC Med. Genomics. 2015 May; 8:19). Of note, this alteration is also designated as 5464G>A in published literature. In addition to the clinical data presented in the literature, this alteration is expected to result in loss of function by premature protein truncation or nonsense-mediated mRNA decay. As such, this alteration is interpreted as a disease-causing mutation.

Baylor Genetics
Classification: Pathogenic for Breast-ovarian cancer, familial, susceptibility to, 1. Last evaluated: 2022-12-24. Review status: criteria provided, single submitter. Criteria: ACMG Guidelines, 2015. Collection method: clinical testing. Allele origin: unknown. Not counted in ClinVar's aggregate classification.

GeneDx
Classification: Pathogenic. Last evaluated: 2021-11-29. Review status: criteria provided, single submitter. Criteria: GeneDx Variant Classification Process June 2021. Collection method: clinical testing. Allele origin: germline. Affected: yes. Not counted in ClinVar's aggregate classification.
Comment: Observed in individuals with a personal and/or family history of BRCA1-related cancers (Evans 2003, Perkowska 2003, Delgado-Balderas 2018, Rebbeck 2018, Pogoda 2020); Nonsense variant predicted to result in protein truncation or nonsense mediated decay in a gene for which loss-of-function is a known mechanism of disease; Not observed at significant frequency in large population cohorts (Lek et al., 2016); Truncating variants in this gene are considered pathogenic by a well-established clinical consortium and/or database; Also known as 5464G>A; This variant is associated with the following publications: (PMID: 10788334, 12960223, 11371136, 12673801, 30209399, 31409081, 31173646, 32772980, 32719484, 25948282, 9362443, 32322271, 29997359, Guarneri [case report], 16234499, 11773283, 29446198)

Women's Health and Genetics/Laboratory Corporation of America, LabCorp
Classification: Pathogenic for Hereditary breast ovarian cancer syndrome. Last evaluated: 2021-08-15. Review status: criteria provided, single submitter. Criteria: LabCorp Variant Classification Summary - May 2015. Collection method: clinical testing. Allele origin: germline. Not counted in ClinVar's aggregate classification.
Comment: Variant summary: BRCA1 c.5345G>A (p.Trp1782X) results in a premature termination codon, predicted to cause a truncation of the encoded protein or absence of the protein due to nonsense mediated decay, which are commonly known mechanisms for disease. Truncations downstream of this position have been classified as pathogenic by our laboratory. The variant was absent in 251446 control chromosomes. c.5345G>A has been reported in the literature in multiple individuals affected with Hereditary Breast And Ovarian Cancer Syndrome (example, Rebbeck_2018). These data indicate that the variant is very likely to be associated with disease. At least one publication reports experimental evidence evaluating an impact on protein function. The most pronounced variant effect results in loss of homology directed repair (HDR) activity (example, Findlay_2018). Multiple clinical diagnostic laboratories, an expert panel (ENIGMA) and a consotrium (CIMBA) have submitted clinical-significance assessments for this variant to ClinVar after 2014. All submitters classified the variant as pathogenic. Based on the evidence outlined above, the variant was classified as pathogenic.

Quest Diagnostics Nichols Institute San Juan Capistrano
Classification: Pathogenic. Last evaluated: 2020-11-12. Review status: criteria provided, single submitter. Criteria: Quest Diagnostics criteria. Collection method: clinical testing. Allele origin: unknown. Not counted in ClinVar's aggregate classification.
Comment: This nonsense variant causes the premature termination of BRCA1 protein synthesis. In addition, it has been reported in individuals affected with breast and/or ovarian cancer in the published literature (PMID: 25948282 (2015), 16234499 (2005), 9362443 (1997), 29446198 (2018)). This variant has not been reported in large, multi-ethnic general populations. Therefore, the variant is classified as pathogenic.

Laboratory for Molecular Medicine, Mass General Brigham Personalized Medicine
Classification: Pathogenic for Hereditary breast ovarian cancer syndrome. Last evaluated: 2016-12-23. Review status: criteria provided, single submitter. Criteria: LMM Criteria. Collection method: clinical testing. Allele origin: germline. Observed: 1 variant allele. Not counted in ClinVar's aggregate classification.
Comment: The p.Trp1782X (c.5345G>A) variant in BRCA1 has been reported in at least 5 indi viduals with BRCA1-associated cancers (Evans 2003, Breast Cancer Information Cor e (BIC) database) and was absent from large population studies. In addition, a d ifferent nucleotide change (c.5346G>A) resulting in the same amino acid change ( p.Trp1782X) was reported in 15 individuals with BRCA1-associated cancers (Sobcz ak 1997; Machackova 2008; BIC database). This nonsense variant leads to a premat ure termination codon at position 1782, which is predicted to lead to a truncate d or absent protein. Heterozygous loss of function of the BRCA1 gene is an estab lished disease mechanism in hereditary breast and ovarian cancer (HBOC). In addi tion, this variant was classified as Pathogenic on September 8, 2016 by the Clin Gen-approved ENIGMA expert panel (ClinVar SCV000300245.2). In summary, the p.Trp 1782X variant meets our criteria to be classified as pathogenic for HBOC in an a utosomal dominant manner.

Consortium of Investigators of Modifiers of BRCA1/2 (CIMBA), c/o University of Cambridge
Classification: Pathogenic for Breast-ovarian cancer, familial, susceptibility to, 1. Last evaluated: 2015-10-02. Review status: criteria provided, single submitter. Criteria: CIMBA Mutation Classification guidelines May 2016. Collection method: clinical testing. Allele origin: germline. Not counted in ClinVar's aggregate classification.

Research Molecular Genetics Laboratory, Women's College Hospital, University of Toronto
Classification: Pathogenic for Hereditary breast ovarian cancer syndrome. Last evaluated: 2014-01-31. Review status: no assertion criteria provided. Collection method: research. Allele origin: germline. Affected: yes. Study: The Canadian Open Genetics Repository (COGR). Not counted in ClinVar's aggregate classification.

Breast Cancer Information Core (BIC) (BRCA1)
Classification: Pathogenic for Breast-ovarian cancer, familial 1. Last evaluated: 1998-06-26. Review status: no assertion criteria provided. Collection method: clinical testing. Allele origin: germline. Affected: yes. Observed: 5 variant alleles. Not counted in ClinVar's aggregate classification.

Brotman Baty Institute, University of Washington
No classification provided (evidence only). Condition: Breast-ovarian cancer, familial 1. Review status: no classification provided. Collection method: in vitro. Allele origin: not applicable. Functional consequence: functionally_abnormal. Not counted in ClinVar's aggregate classification.
ClinVar note: "not provided" was previously submitted as the classification for the variant. However, the classification appeared to be based only on an observation of functional data so it was converted to no classification on 2025-07-30.

Literature cited by the submitters: PubMed 20104584 (cited by Labcorp Genetics (formerly Invitae), Labcorp); PubMed 12960223 (cited by 4 submitters); PubMed 25948282 (cited by 3 submitters); PubMed 11773283 (cited by Ambry Genetics); PubMed 16234499 (cited by Ambry Genetics and Quest Diagnostics Nichols Institute San Juan Capistrano); PubMed 29446198 (cited by Women's Health and Genetics/Laboratory Corporation of America, LabCorp and Quest Diagnostics Nichols Institute San Juan Capistrano); PubMed 30209399 (cited by Women's Health and Genetics/Laboratory Corporation of America, LabCorp); PubMed 9362443 (cited by Quest Diagnostics Nichols Institute San Juan Capistrano and Laboratory for Molecular Medicine, Mass General Brigham Personalized Medicine).